The following is an entry in ClinVar:

NM_153676.4(USH1C):c.2500G>A (p.Asp834Asn)

Gene: USH1C (USH1 protein network component harmonin; minus strand). Cytogenetic location: 11p15.1.
Variant type: single nucleotide variant.
Coding change: c.2500G>A on transcript NM_153676.4 (MANE Select); coding-DNA position 2500, G replaced by A.
Protein change: p.Asp834Asn; replaces aspartic acid 834 with asparagine.
Molecular consequence: missense variant. On other transcripts: non-coding transcript variant (1).
Genome position (GRCh38, 1-based): chr11:17,496,804, C>T on the plus strand (G>A on the coding strand, the complement: USH1C is on the minus strand). VCF-style: chr11-17496804-C-T. GRCh37 (hg19) VCF-style: chr11-17518351-C-T.
Other names: c.1600G>A (NM_005709.3); c.1543G>A, p.Asp515Asn (NM_001297764.2); c.1600G>A, p.Asp534Asn (NM_005709.4); short protein forms D515N, D534N, D834N.
Identifiers: ClinVar variation 2143365 (VCV002143365.2), dbSNP rs201644053, ClinGen allele CA5904128.

ClinVar aggregate classification (germline): Uncertain significance. Review status: criteria provided, multiple submitters, no conflicts (2 of 4 stars). 2 submissions from 2 submitters: Uncertain significance (2). Last evaluated 2025-08-24.

Conditions:
Inborn genetic diseases. Identifiers: MedGen C0950123, MeSH D030342.

Allele frequency attached by ClinVar (database versions not stated): ExAC 0.00003; gnomAD exomes 0.00004; gnomAD 0.00005; TOPMed 0.00006; ESP Exome Variant Server 0.00008; 1000 Genomes Project 0.00040; 1000 Genomes Project 30x 0.00047.
gnomAD v4.1: 60 of 1,614,182 alleles (0.0037%); highest among the groups gnomAD compares: African/African-American, 0.0067%; no homozygotes.

Submissions (2):

Ambry Genetics
Classification: Uncertain significance for Inborn genetic diseases. Last evaluated: 2025-08-24. Review status: criteria provided, single submitter. Criteria: Ambry Variant Classification Scheme 2023. Collection method: clinical testing. Allele origin: germline.

Labcorp Genetics (formerly Invitae), Labcorp
Classification: Uncertain significance. Last evaluated: 2022-08-06. Review status: criteria provided, single submitter. Criteria: Invitae Variant Classification Sherloc (09022015). Collection method: clinical testing. Allele origin: germline.
Comment: This sequence change replaces aspartic acid, which is acidic and polar, with asparagine, which is neutral and polar, at codon 534 of the USH1C protein (p.Asp534Asn). This variant is present in population databases (rs201644053, gnomAD 0.01%). This variant has not been reported in the literature in individuals affected with USH1C-related conditions. Algorithms developed to predict the effect of missense changes on protein structure and function are either unavailable or do not agree on the potential impact of this missense change (SIFT: "Deleterious"; PolyPhen-2: "Probably Damaging"; Align-GVGD: "Class C0"). In summary, the available evidence is currently insufficient to determine the role of this variant in disease. Therefore, it has been classified as a Variant of Uncertain Significance.